The following is an entry in ClinVar:

NM_000531.6(OTC):c.673C>T (p.Pro225Ser)

Gene: OTC (ornithine transcarbamylase; plus strand). Cytogenetic location: Xp11.4.
Variant type: single nucleotide variant.
Coding change: c.673C>T on transcript NM_000531.6 (MANE Select); coding-DNA position 673, C replaced by T.
Protein change: p.Pro225Ser; replaces proline 225 with serine.
Molecular consequence: missense variant.
Genome position (GRCh38, 1-based): chrX:38,408,751, C>T. VCF-style: chrX-38408751-C-T. GRCh37 (hg19) VCF-style: chrX-38268004-C-T.
Other names: short protein forms P225S.
Identifiers: ClinVar variation 429918 (VCV000429918.5), dbSNP rs72558428, ClinGen allele CA327910816.

ClinVar aggregate classification (germline): Likely pathogenic. Review status: criteria provided, multiple submitters, no conflicts (2 of 4 stars). 2 submissions from 2 submitters: Likely pathogenic (2). Last evaluated 2023-03-28.

Conditions:
Ornithine carbamoyltransferase deficiency (OTCD). Also called: ORNITHINE TRANSCARBAMYLASE DEFICIENCY, HYPERAMMONEMIA DUE TO; ORNITHINE TRANSCARBAMYLASE DEFICIENCY; Ornithine Carbamoyltransferase Deficiency Disease; OTC DEFICIENCY. Identifiers: Orphanet 664, MedGen C0268542, MONDO:0010703, OMIM 311250.

Allele frequency attached by ClinVar (database versions not stated): TOPMed 0.00001.

Submissions (2):

Labcorp Genetics (formerly Invitae), Labcorp
Classification: Likely pathogenic for Ornithine carbamoyltransferase deficiency. Last evaluated: 2023-03-28. Review status: criteria provided, single submitter. Criteria: Invitae Variant Classification Sherloc (09022015). Collection method: clinical testing. Allele origin: germline.
Comment: In summary, the currently available evidence indicates that the variant is pathogenic, but additional data are needed to prove that conclusively. Therefore, this variant has been classified as Likely Pathogenic. This variant disrupts the p.Pro225 amino acid residue in OTC. Other variant(s) that disrupt this residue have been determined to be pathogenic (PMID: 1721894, 9286441, 9427144, 27070778). This suggests that this residue is clinically significant, and that variants that disrupt this residue are likely to be disease-causing. Advanced modeling of protein sequence and biophysical properties (such as structural, functional, and spatial information, amino acid conservation, physicochemical variation, residue mobility, and thermodynamic stability) performed at Invitae indicates that this missense variant is expected to disrupt OTC protein function. ClinVar contains an entry for this variant (Variation ID: 429918). This variant has not been reported in the literature in individuals affected with OTC-related conditions. This variant is not present in population databases (gnomAD no frequency). This sequence change replaces proline, which is neutral and non-polar, with serine, which is neutral and polar, at codon 225 of the OTC protein (p.Pro225Ser).

GeneDx
Classification: Likely pathogenic. Last evaluated: 2016-05-17. Review status: criteria provided, single submitter. Criteria: GeneDx Variant Classification (06012015). Collection method: clinical testing. Allele origin: germline. Affected: yes.
Comment: The P225S variant has not been published as a pathogenic variant, nor has it been reported as a benign variant to our knowledge. The P225S variant was not observed in approximately 6500 individuals of European and African American ancestry in the NHLBI Exome Sequencing Project, indicating it is not a common benign variant in these populations. The P225S variant is a non-conservative amino acid substitution, which is likely to impact secondary protein structure as these residues differ in polarity, charge, size and/or other properties. This substitution occurs at a position that is conserved across species. In silico analysis predicts this variant is probably damaging to the protein structure/function. Missense variants in the same residue (P225T/L/R) have been reported in the Human Gene Mutation Database in association with ornithine transcarbamylase deficiency (Stenson et al., 2014), supporting the functional importance of this region of the protein. Therefore, this variant is likely pathogenic; however, the possibility that it is benign cannot be excluded

Literature cited by the submitters: PubMed 1721894 (cited by Labcorp Genetics (formerly Invitae), Labcorp); PubMed 9286441 (cited by Labcorp Genetics (formerly Invitae), Labcorp); PubMed 9427144 (cited by Labcorp Genetics (formerly Invitae), Labcorp); PubMed 27070778 (cited by Labcorp Genetics (formerly Invitae), Labcorp).